The following is an entry in ClinVar:

ClinVar aggregate classification (germline): Likely benign (1 of 4 stars; one submission).

gnomAD v4.1: 1,277 of 1,614,098 alleles (0.079%); highest among the groups gnomAD compares: African/African-American, 1.4%; 11 homozygotes.

Submission:

CeGaT Center for Human Genetics Tuebingen
Classification: Likely benign. Last evaluated: 2025-11-01. Review status: criteria provided, single submitter. Criteria: CeGaT Center For Human Genetics Tuebingen Variant Classification Criteria Version 2. Collection method: clinical testing. Allele origin: germline. Affected: yes. Observed: 1 variant allele.
Comment: SMC5: BP4, BS1

NM_015110.4(SMC5):c.1213A>G (p.Asn405Asp)

Gene: SMC5 (structural maintenance of chromosomes 5; plus strand). Cytogenetic location: 9q21.12.
Variant type: single nucleotide variant.
Coding change: c.1213A>G on transcript NM_015110.4 (MANE Select); coding-DNA position 1213, A replaced by G.
Protein change: p.Asn405Asp; replaces asparagine 405 with aspartic acid.
Molecular consequence: missense variant.
Genome position (GRCh38, 1-based): chr9:70,298,125, A>G. VCF-style: chr9-70298125-A-G. GRCh37 (hg19) VCF-style: chr9-72913041-A-G.
Other names: short protein forms N405D.
Identifiers: ClinVar variation 4533737 (VCV004533737.6).
Genomic context (GRCh38, chr9:70,298,125, plus strand): 5'-AATGAACTAAAGACCACGGAAAACTGCGAGAATCTTCAGCCCCAGATTGATGCCATTACA[A>G]ATGATCTGAGACGGATTCAGGATGAAAAGGCATTATGTGAAGGCGAAATAATTGATAAGC-3'
Protein context (NP_055925.2, residues 395-415): NLQPQIDAIT[Asn405Asp]DLRRIQDEKA